The following is an entry in ClinVar:

ClinVar aggregate classification (germline): Uncertain significance. Review status: criteria provided, multiple submitters, no conflicts (2 of 4 stars). 2 submissions from 2 submitters: Uncertain significance (2). Last evaluated 2025-08-14.

Allele frequency attached by ClinVar (database versions not stated): gnomAD exomes 0.00001; gnomAD 0.00002; TOPMed 0.00002.
gnomAD v4.1: 11 of 1,611,108 alleles (0.00068%); highest among the groups gnomAD compares: Non-Finnish European, 0.00085%; no homozygotes.

Submissions (2):

Ambry Genetics
Classification: Uncertain significance. Last evaluated: 2025-08-14. Review status: criteria provided, single submitter. Criteria: Ambry Variant Classification Scheme 2023. Collection method: clinical testing. Allele origin: germline.

Labcorp Genetics (formerly Invitae), Labcorp
Classification: Uncertain significance. Last evaluated: 2022-07-11. Review status: criteria provided, single submitter. Criteria: Invitae Variant Classification Sherloc (09022015). Collection method: clinical testing. Allele origin: germline.
Comment: This sequence change replaces arginine, which is basic and polar, with glutamine, which is neutral and polar, at codon 1158 of the DHX38 protein (p.Arg1158Gln). This variant is present in population databases (no rsID available, gnomAD 0.005%). This variant has not been reported in the literature in individuals affected with DHX38-related conditions. ClinVar contains an entry for this variant (Variation ID: 956844). Algorithms developed to predict the effect of missense changes on protein structure and function (SIFT, PolyPhen-2, Align-GVGD) all suggest that this variant is likely to be tolerated. In summary, the available evidence is currently insufficient to determine the role of this variant in disease. Therefore, it has been classified as a Variant of Uncertain Significance.

NM_014003.4(DHX38):c.3473G>A (p.Arg1158Gln)

Gene: DHX38 (DEAH-box helicase 38; plus strand). Cytogenetic location: 16q22.2.
Variant type: single nucleotide variant.
Coding change: c.3473G>A on transcript NM_014003.4 (MANE Select); coding-DNA position 3473, G replaced by A.
Protein change: p.Arg1158Gln; replaces arginine 1158 with glutamine.
Molecular consequence: missense variant.
Genome position (GRCh38, 1-based): chr16:72,109,506, G>A. VCF-style: chr16-72109506-G-A. GRCh37 (hg19) VCF-style: chr16-72143405-G-A.
Other names: short protein forms R1158Q.
Identifiers: ClinVar variation 956844 (VCV000956844.8), dbSNP rs954216217, ClinGen allele CA283692677.